The following is an entry in ClinVar:

NM_001379291.1(BRD4):c.2158+2705_2158+2713dup

Gene: BRD4 (bromodomain containing 4; minus strand). Cytogenetic location: 19p13.12.
Variant type: Duplication.
Coding change: c.2158+2705_2158+2713dup on transcript NM_001379291.1 (MANE Select); bases 2705 to 2713 of the intron after coding-DNA position 2158, 9 bases duplicated (CCCCCCCCC; older notation c.2158+2705_2158+2713dupCCCCCCCCC).
Molecular consequence: intron variant.
Genome position (GRCh38, 1-based): chr19:15,251,439-15,251,447, GGGGGGGGG duplicated on the plus strand (CCCCCCCCC on the coding strand, the reverse complement: BRD4 is on the minus strand); duplicating any 9 consecutive bases within chr19:15,251,439-15,251,455 gives the same sequence; the c. name uses the placement nearest the transcript's 3' end. VCF-style (leftmost placement, unchanged base first): chr19-15251438-C-CGGGGGGGGG. GRCh37 (hg19) VCF-style: chr19-15362249-C-CGGGGGGGGG.
Other names: c.2158+2705_2158+2713dup (NM_058243.3); c.2159-2157_2159-2149dup (NM_001379292.1, NM_014299.3).
Identifiers: ClinVar variation 2649471 (VCV002649471.24), dbSNP rs1197390019, ClinGen allele CA993903449.

ClinVar aggregate classification (germline): Likely benign (1 of 4 stars; one submission).

Submission:

CeGaT Center for Human Genetics Tuebingen
Classification: Likely benign. Last evaluated: 2024-12-01. Review status: criteria provided, single submitter. Criteria: CeGaT Center For Human Genetics Tuebingen Variant Classification Criteria Version 2. Collection method: clinical testing. Allele origin: germline. Affected: yes. Observed: 3 variant alleles.
Comment: BRD4: BS1